The following is an entry in ClinVar:

NM_001401501.2(MUC16):c.38732-4A>G

Gene: MUC16 (mucin 16, cell surface associated; minus strand). Cytogenetic location: 19p13.2.
Variant type: single nucleotide variant.
Coding change: c.38732-4A>G on transcript NM_001401501.2 (MANE Select); 4 bases into the intron before coding-DNA position 38732, A replaced by G.
Molecular consequence: intron variant.
Genome position (GRCh38, 1-based): chr19:8,902,226, T>C on the plus strand (A>G on the coding strand, the complement: MUC16 is on the minus strand). VCF-style: chr19-8902226-T-C. GRCh37 (hg19) VCF-style: chr19-9012902-T-C.
Other names: c.39158-4A>G (NM_001414686.1); c.38612-4A>G (NM_001414687.1); c.38546-4A>G (NM_024690.2).
Identifiers: ClinVar variation 3043478 (VCV003043478.2), dbSNP rs1041926069, ClinGen allele CA305021898.

ClinVar aggregate classification (germline): Likely benign (0 of 4 stars; one submission).

Conditions:
MUC16-related disorder. Also called: MUC16-related condition.

Submission:

PreventionGenetics, part of Exact Sciences
Classification: Likely benign for MUC16-related condition. Last evaluated: 2019-06-27. Review status: no assertion criteria provided. Collection method: clinical testing. Allele origin: germline.
Comment: This variant is classified as likely benign based on ACMG/AMP sequence variant interpretation guidelines (Richards et al. 2015 PMID: 25741868, with internal and published modifications).